The following is an entry in ClinVar:

NM_001034853.2(RPGR):c.1208A>G (p.Gln403Arg)

Gene: RPGR (retinitis pigmentosa GTPase regulator; minus strand). Cytogenetic location: Xp11.4.
Variant type: single nucleotide variant.
Coding change: c.1208A>G on transcript NM_001034853.2 (MANE Select); coding-DNA position 1208, A replaced by G.
Protein change: p.Gln403Arg; replaces glutamine 403 with arginine.
Molecular consequence: missense variant. On other transcripts: non-coding transcript variant (6), intron variant (2).
Genome position (GRCh38, 1-based): chrX:38,298,993, T>C on the plus strand (A>G on the coding strand, the complement: RPGR is on the minus strand). VCF-style: chrX-38298993-T-C. GRCh37 (hg19) VCF-style: chrX-38158246-T-C.
Other names: c.1208A>G, p.Gln403Arg (NM_000328.3, NM_001367247.1); c.1205A>G, p.Gln402Arg (NM_001367245.1, NM_001367249.1, NM_001367250.1); c.1238A>G, p.Gln413Arg (NM_001367248.1); c.1060-1541A>G (NM_001367251.1, NM_001367246.1); short protein forms Q402R, Q403R, Q413R.
Identifiers: ClinVar variation 2794685 (VCV002794685.3), dbSNP rs1175561018, ClinGen allele CA412739777.

ClinVar aggregate classification (germline): Uncertain significance (1 of 4 stars; one submission).

Conditions:
Primary ciliary dyskinesia. Also called: Ciliary dyskinesia. Identifiers: Orphanet 244, MedGen C0008780, MONDO:0016575, HP:0012265.

Allele frequency attached by ClinVar (database versions not stated): gnomAD exomes below 0.00001; TOPMed below 0.00001; gnomAD 0.00001.
gnomAD v4.1: 2 of 1,210,202 alleles (0.00017%); highest among the groups gnomAD compares: Non-Finnish European, 0.00022%; no homozygotes.

Submission:

Labcorp Genetics (formerly Invitae), Labcorp
Classification: Uncertain significance for Primary ciliary dyskinesia. Last evaluated: 2023-07-07. Review status: criteria provided, single submitter. Criteria: Invitae Variant Classification Sherloc (09022015). Collection method: clinical testing. Allele origin: germline.
Comment: This variant has not been reported in the literature in individuals affected with RPGR-related conditions. In summary, the available evidence is currently insufficient to determine the role of this variant in disease. Therefore, it has been classified as a Variant of Uncertain Significance. Advanced modeling of protein sequence and biophysical properties (such as structural, functional, and spatial information, amino acid conservation, physicochemical variation, residue mobility, and thermodynamic stability) performed at Invitae indicates that this missense variant is not expected to disrupt RPGR protein function. This variant is not present in population databases (gnomAD no frequency). This sequence change replaces glutamine, which is neutral and polar, with arginine, which is basic and polar, at codon 403 of the RPGR protein (p.Gln403Arg).